The following is an entry in ClinVar:

NM_006059.4(LAMC3):c.607G>A (p.Gly203Ser)

Gene: LAMC3 (laminin subunit gamma 3; plus strand). Cytogenetic location: 9q34.12.
Variant type: single nucleotide variant.
Coding change: c.607G>A on transcript NM_006059.4 (MANE Select); coding-DNA position 607, G replaced by A.
Protein change: p.Gly203Ser; replaces glycine 203 with serine.
Molecular consequence: missense variant.
Genome position (GRCh38, 1-based): chr9:131,026,518, G>A. VCF-style: chr9-131026518-G-A. GRCh37 (hg19) VCF-style: chr9-133901905-G-A.
Other names: c.607G>A (NM_006059.3); short protein forms G203S.
Identifiers: ClinVar variation 1408774 (VCV001408774.6), dbSNP rs759660042, ClinGen allele CA5286744.

ClinVar aggregate classification (germline): Uncertain significance. Review status: criteria provided, multiple submitters, no conflicts (2 of 4 stars). 4 submissions from 4 submitters: Uncertain significance (4). Last evaluated 2025-08-11.

Conditions:
Inborn genetic diseases. Identifiers: MedGen C0950123, MeSH D030342.
Occipital pachygyria and polymicrogyria. Identifiers: Orphanet 280640, MedGen C3279875, MONDO:0013583, OMIM 614115.

Allele frequency attached by ClinVar (database versions not stated): gnomAD 0.00001; gnomAD exomes 0.00002 and 0.00006; TOPMed 0.00003; ExAC 0.00007.
gnomAD v4.1: 34 of 1,612,190 alleles (0.0021%); highest among the groups gnomAD compares: Admixed American, 0.027%; no homozygotes.

Submissions (4):

Ambry Genetics
Classification: Uncertain significance for Inborn genetic diseases. Last evaluated: 2025-08-11. Review status: criteria provided, single submitter. Criteria: Ambry Variant Classification Scheme 2023. Collection method: clinical testing. Allele origin: germline.

Labcorp Genetics (formerly Invitae), Labcorp
Classification: Uncertain significance. Last evaluated: 2022-07-20. Review status: criteria provided, single submitter. Criteria: Invitae Variant Classification Sherloc (09022015). Collection method: clinical testing. Allele origin: germline.
Comment: This sequence change replaces glycine, which is neutral and non-polar, with serine, which is neutral and polar, at codon 203 of the LAMC3 protein (p.Gly203Ser). This variant is present in population databases (rs759660042, gnomAD 0.04%). This variant has not been reported in the literature in individuals affected with LAMC3-related conditions. ClinVar contains an entry for this variant (Variation ID: 1408774). Algorithms developed to predict the effect of missense changes on protein structure and function (SIFT, PolyPhen-2, Align-GVGD) all suggest that this variant is likely to be disruptive. In summary, the available evidence is currently insufficient to determine the role of this variant in disease. Therefore, it has been classified as a Variant of Uncertain Significance.

New York Genome Center
Classification: Uncertain significance for Occipital pachygyria and polymicrogyria. Last evaluated: 2021-08-27. Review status: criteria provided, single submitter. Criteria: NYGC Assertion Criteria 2020. Collection method: clinical testing. Allele origin: inherited. Observed: 1 heterozygote. Study: CSER-NYCKidSeq.

Breakthrough Genomics
Classification: Uncertain significance. Review status: criteria provided, single submitter. Criteria: ACMG Guidelines, 2015. Collection method: not provided. Allele origin: germline. Inheritance: Autosomal recessive inheritance. Affected: yes.